The following is an entry in ClinVar:

NM_007194.4(CHEK2):c.444+5G>C

Gene: CHEK2 (checkpoint kinase 2; minus strand). Cytogenetic location: 22q12.1.
Variant type: single nucleotide variant.
Coding change: c.444+5G>C on transcript NM_007194.4 (MANE Select); 5 bases into the intron after coding-DNA position 444, G replaced by C.
Molecular consequence: intron variant.
Genome position (GRCh38, 1-based): chr22:28,725,238, C>G on the plus strand (G>C on the coding strand, the complement: CHEK2 is on the minus strand). VCF-style: chr22-28725238-C-G. GRCh37 (hg19) VCF-style: chr22-29121226-C-G.
Other names: c.-220+5G>C (NM_001437942.1); c.444+5G>C (NM_001349956.3, NM_145862.3); c.-334+5G>C (NM_001257387.3); c.537+5G>C (NM_001438295.1, NM_001438293.1); c.573+5G>C (NM_001438294.1, NM_001005735.3).
Identifiers: ClinVar variation 220246 (VCV000220246.8), dbSNP rs189961251, ClinGen allele CA350093.

ClinVar aggregate classification (germline): Uncertain significance. Review status: criteria provided, multiple submitters, no conflicts (2 of 4 stars). 2 submissions from 2 submitters: Uncertain significance (2). Last evaluated 2024-02-19.

Conditions:
Familial cancer of breast. Also called: hereditary breast carcinoma; Hereditary breast cancer; BREAST CANCER, FAMILIAL. Identifiers: Orphanet 227535, MedGen C0346153, MONDO:0016419, OMIM 114480. Disease mechanism: loss of function.

Submissions (2):

Labcorp Genetics (formerly Invitae), Labcorp
Classification: Uncertain significance for Familial cancer of breast. Last evaluated: 2024-02-19. Review status: criteria provided, single submitter. Criteria: Invitae Variant Classification Sherloc (09022015). Collection method: clinical testing. Allele origin: germline.
Comment: This sequence change falls in intron 3 of the CHEK2 gene. It does not directly change the encoded amino acid sequence of the CHEK2 protein. It affects a nucleotide within the consensus splice site. This variant is not present in population databases (gnomAD no frequency). This variant has not been reported in the literature in individuals affected with CHEK2-related conditions. ClinVar contains an entry for this variant (Variation ID: 220246). Variants that disrupt the consensus splice site are a relatively common cause of aberrant splicing (PMID: 17576681, 9536098). Algorithms developed to predict the effect of sequence changes on RNA splicing suggest that this variant may disrupt the consensus splice site. In summary, the available evidence is currently insufficient to determine the role of this variant in disease. Therefore, it has been classified as a Variant of Uncertain Significance.

GeneDx
Classification: Uncertain significance. Last evaluated: 2022-05-26. Review status: criteria provided, single submitter. Criteria: GeneDx Variant Classification Process June 2021. Collection method: clinical testing. Allele origin: germline. Affected: yes.
Comment: Not observed at significant frequency in large population cohorts (gnomAD); Has not been previously published as pathogenic or benign to our knowledge; In-silico analysis is inconclusive as to whether the variant alters gene splicing. In the absence of RNA/functional studies, the actual effect of this sequence change is unknown.

Literature cited by the submitters: PubMed 17576681 (cited by Labcorp Genetics (formerly Invitae), Labcorp); PubMed 9536098 (cited by Labcorp Genetics (formerly Invitae), Labcorp).